The following is an entry in ClinVar:

ClinVar aggregate classification (germline): Uncertain significance (1 of 4 stars; one submission).

Allele frequency attached by ClinVar (database versions not stated): gnomAD 0.00001; TOPMed 0.00001; gnomAD exomes 0.00002; ExAC 0.00003.
gnomAD v4.1: 30 of 1,613,190 alleles (0.0019%); highest among the groups gnomAD compares: Non-Finnish European, 0.0024%; no homozygotes.

Submission:

Labcorp Genetics (formerly Invitae), Labcorp
Classification: Uncertain significance. Last evaluated: 2023-06-14. Review status: criteria provided, single submitter. Criteria: Invitae Variant Classification Sherloc (09022015). Collection method: clinical testing. Allele origin: germline.
Comment: This sequence change replaces alanine, which is neutral and non-polar, with threonine, which is neutral and polar, at codon 89 of the MCM2 protein (p.Ala89Thr). This variant is present in population databases (rs778548957, gnomAD 0.003%). This variant has not been reported in the literature in individuals affected with MCM2-related conditions. Algorithms developed to predict the effect of missense changes on protein structure and function output the following: SIFT: "Not Available"; PolyPhen-2: "Benign"; Align-GVGD: "Not Available". The threonine amino acid residue is found in multiple mammalian species, which suggests that this missense change does not adversely affect protein function. In summary, the available evidence is currently insufficient to determine the role of this variant in disease. Therefore, it has been classified as a Variant of Uncertain Significance.

NM_004526.4(MCM2):c.265G>A (p.Ala89Thr)

Gene: MCM2 (minichromosome maintenance complex component 2; plus strand). Cytogenetic location: 3q21.3.
Variant type: single nucleotide variant.
Coding change: c.265G>A on transcript NM_004526.4 (MANE Select); coding-DNA position 265, G replaced by A.
Protein change: p.Ala89Thr; replaces alanine 89 with threonine.
Molecular consequence: missense variant. On other transcripts: non-coding transcript variant (1).
Genome position (GRCh38, 1-based): chr3:127,604,636, G>A. VCF-style: chr3-127604636-G-A. GRCh37 (hg19) VCF-style: chr3-127323479-G-A.
Other names: short protein forms A89T.
Identifiers: ClinVar variation 3005099 (VCV003005099.3), dbSNP rs778548957, ClinGen allele CA2595518.
Genomic context (GRCh38, chr3:127,604,636, plus strand): 5'-CAGTAACCACATCTGTTTTGGTGCTCCCTCAGGGACTACCGCGCCATCCCAGAGCTGGAC[G>A]CCTATGAGGCCGAGGGACTGGCTCTGGATGATGAGGACGTAGAGGAGCTGACGGCCAGTC-3'
Protein context (NP_004517.2, residues 79-99): RDYRAIPELD[Ala89Thr]YEAEGLALDD